The following is an entry in ClinVar:

ClinVar aggregate classification (germline): Uncertain significance (1 of 4 stars; one submission).

Submission:

GeneDx
Classification: Uncertain significance. Last evaluated: 2022-10-28. Review status: criteria provided, single submitter. Criteria: GeneDx Variant Classification Process June 2021. Collection method: clinical testing. Allele origin: germline. Affected: yes.
Comment: Not observed at significant frequency in large population cohorts (gnomAD); In silico analysis supports that this missense variant has a deleterious effect on protein structure/function; Has not been previously published as pathogenic or benign to our knowledge

NM_000282.4(PCCA):c.2133C>G (p.His711Gln)

Gene: PCCA (propionyl-CoA carboxylase subunit alpha; plus strand). Cytogenetic location: 13q32.3.
Variant type: single nucleotide variant.
Coding change: c.2133C>G on transcript NM_000282.4 (MANE Select); coding-DNA position 2133, C replaced by G.
Protein change: p.His711Gln; replaces histidine 711 with glutamine.
Molecular consequence: missense variant. On other transcripts: non-coding transcript variant (5).
Genome position (GRCh38, 1-based): chr13:100,530,112, C>G. VCF-style: chr13-100530112-C-G. GRCh37 (hg19) VCF-style: chr13-101182366-C-G.
Other names: c.2055C>G, p.His685Gln (NM_001127692.3); c.1992C>G, p.His664Gln (NM_001178004.2); c.2079C>G, p.His693Gln (NM_001352605.2); c.1989C>G, p.His663Gln (NM_001352606.2); c.1914C>G, p.His638Gln (NM_001352607.2); c.1911C>G, p.His637Gln (NM_001352608.2); c.1188C>G, p.His396Gln (NM_001352610.2); c.1134C>G, p.His378Gln (NM_001352611.2); and 1 more; short protein forms H348Q, H378Q, H396Q, H637Q, H638Q, H663Q, H664Q, H685Q.
Identifiers: ClinVar variation 2500381 (VCV002500381.1), dbSNP rs373187346, ClinGen allele CA388641043.
Genomic context (GRCh38, chr13:100,530,112, plus strand): 5'-TACTAATTCTTACTCTCCCCTCCCCCTGCATTTTTCAAAATTCAAGGTGAAATCTGTGCA[C>G]TGTCAAGCTGGAGACACAGTTGGAGAAGGGGATCTGCTCGTGGAGCTGGAATGAAGGATT-3'
Protein context (NP_000273.2, residues 701-721): AGKTGTVKSV[His711Gln]CQAGDTVGEG